The following is an entry in ClinVar:

NM_000512.5(GALNS):c.294C>A (p.Tyr98Ter)

Gene: GALNS (galactosamine (N-acetyl)-6-sulfatase; minus strand). Cytogenetic location: 16q24.3.
Variant type: single nucleotide variant.
Coding change: c.294C>A on transcript NM_000512.5 (MANE Select); coding-DNA position 294, C replaced by A.
Protein change: p.Tyr98Ter; replaces tyrosine 98 with a stop codon.
Molecular consequence: nonsense. On other transcripts: 5 prime UTR variant (1).
Genome position (GRCh38, 1-based): chr16:88,841,922, G>T on the plus strand (C>A on the coding strand, the complement: GALNS is on the minus strand). VCF-style: chr16-88841922-G-T. GRCh37 (hg19) VCF-style: chr16-88908330-G-T.
Other names: c.-262C>A (NM_001323543.2); c.312C>A, p.Tyr104Ter (NM_001323544.2); short protein forms Y104*, Y98*.
Identifiers: ClinVar variation 2864869 (VCV002864869.3), dbSNP rs1487568635, ClinGen allele CA397089104.
Genomic context (GRCh38, chr16:88,841,922, plus strand): 5'-CCCAAGGGTGTCCCTGGAGGCGGTGGGCAGCCTACCGTTTCTGGCATGGGCGTTGGTGGT[G>T]TAGAAGCCATTGCGGATGGGTAGCCGTCCTGTGAGCAGTGCCGCCCTCGCTATGTGGAGG-3'

ClinVar aggregate classification (germline): Pathogenic (1 of 4 stars; one submission).

Conditions:
Mucopolysaccharidosis, MPS-IV-A (MPS4A). Also called: Mucopolysaccharidosis type IV A; Mucopolysaccharidosis Type IVA; Morquio syndrome A, mild; MORQUIO SYNDROME A; GALACTOSAMINE-6-SULFATASE DEFICIENCY; GALNS DEFICIENCY. Identifiers: Orphanet 309297, Orphanet 582, MedGen C0086651, MONDO:0009659, OMIM 253000.

Submission:

Labcorp Genetics (formerly Invitae), Labcorp
Classification: Pathogenic for Mucopolysaccharidosis, MPS-IV-A. Last evaluated: 2023-05-16. Review status: criteria provided, single submitter. Criteria: Invitae Variant Classification Sherloc (09022015). Collection method: clinical testing. Allele origin: germline.
Comment: This variant has not been reported in the literature in individuals affected with GALNS-related conditions. For these reasons, this variant has been classified as Pathogenic. This variant is not present in population databases (gnomAD no frequency). This sequence change creates a premature translational stop signal (p.Tyr98*) in the GALNS gene. It is expected to result in an absent or disrupted protein product. Loss-of-function variants in GALNS are known to be pathogenic (PMID: 12442278).

Literature cited by the submitters: PubMed 12442278.